The following is an entry in ClinVar:

NM_003071.4(HLTF):c.2411T>C (p.Ile804Thr)

Gene: HLTF (helicase like transcription factor; minus strand). Cytogenetic location: 3q24.
Variant type: single nucleotide variant.
Coding change: c.2411T>C on transcript NM_003071.4 (MANE Select); coding-DNA position 2411, T replaced by C.
Protein change: p.Ile804Thr; replaces isoleucine 804 with threonine.
Molecular consequence: missense variant.
Genome position (GRCh38, 1-based): chr3:149,040,122, A>G on the plus strand (T>C on the coding strand, the complement: HLTF is on the minus strand). VCF-style: chr3-149040122-A-G. GRCh37 (hg19) VCF-style: chr3-148757909-A-G.
Other names: c.2408T>C, p.Ile803Thr (NM_001318934.2); c.2411T>C, p.Ile804Thr (NM_001318935.2, NM_139048.3); short protein forms I803T, I804T.
Identifiers: ClinVar variation 3056755 (VCV003056755.2), dbSNP rs61750365, ClinGen allele CA2658934.

ClinVar aggregate classification (germline): Likely benign (0 of 4 stars; one submission).

Conditions:
HLTF-related disorder. Also called: HLTF-related condition.

Allele frequency attached by ClinVar (database versions not stated): 1000 Genomes Project 0.00200; 1000 Genomes Project 30x 0.00219; TOPMed 0.00264; gnomAD 0.00268; ESP Exome Variant Server 0.00269; ExAC 0.00279.
gnomAD v4.1: 5,348 of 1,609,312 alleles (0.33%); highest among the groups gnomAD compares: Non-Finnish European, 0.4%; 11 homozygotes.

Submission:

PreventionGenetics, part of Exact Sciences
Classification: Likely benign for HLTF-related condition. Last evaluated: 2020-11-12. Review status: no assertion criteria provided. Collection method: clinical testing. Allele origin: germline.
Comment: This variant is classified as likely benign based on ACMG/AMP sequence variant interpretation guidelines (Richards et al. 2015 PMID: 25741868, with internal and published modifications).